The following is an entry in ClinVar:

ClinVar aggregate classification (germline): Uncertain significance (1 of 4 stars; one submission).

Conditions:
Muscular dystrophy-dystroglycanopathy type B6 (MDDGB6). Also called: MUSCULAR DYSTROPHY, CONGENITAL, LARGE-RELATED; MUSCULAR DYSTROPHY, CONGENITAL, TYPE 1D; MUSCULAR DYSTROPHY-DYSTROGLYCANOPATHY (CONGENITAL WITH IMPAIRED INTELLECTUAL DEVELOPMENT), TYPE B, 6. Identifiers: MedGen C1837229, MONDO:0012138, OMIM 608840.

Submission:

Labcorp Genetics (formerly Invitae), Labcorp
Classification: Uncertain significance for Muscular dystrophy-dystroglycanopathy type B6. Last evaluated: 2022-08-31. Review status: criteria provided, single submitter. Criteria: Invitae Variant Classification Sherloc (09022015). Collection method: clinical testing. Allele origin: germline.
Comment: In summary, the available evidence is currently insufficient to determine the role of this variant in disease. Therefore, it has been classified as a Variant of Uncertain Significance. Algorithms developed to predict the effect of missense changes on protein structure and function are either unavailable or do not agree on the potential impact of this missense change (SIFT: "Deleterious"; PolyPhen-2: "Probably Damaging"; Align-GVGD: "Class C0"). ClinVar contains an entry for this variant (Variation ID: 1525680). This missense change has been observed in individual(s) with clinical features of LARGE1-related conditions (Invitae). It has also been observed to segregate with disease in related individuals. This variant is not present in population databases (gnomAD no frequency). This sequence change replaces histidine, which is basic and polar, with arginine, which is basic and polar, at codon 171 of the LARGE1 protein (p.His171Arg).

NM_133642.5(LARGE1):c.512A>G (p.His171Arg)

Gene: LARGE1 (LARGE xylosyl- and glucuronyltransferase 1; minus strand). Cytogenetic location: 22q12.3.
Variant type: single nucleotide variant.
Coding change: c.512A>G on transcript NM_133642.5 (MANE Select); coding-DNA position 512, A replaced by G.
Protein change: p.His171Arg; replaces histidine 171 with arginine.
Molecular consequence: missense variant.
Genome position (GRCh38, 1-based): chr22:33,604,538, T>C on the plus strand (A>G on the coding strand, the complement: LARGE1 is on the minus strand). VCF-style: chr22-33604538-T-C. GRCh37 (hg19) VCF-style: chr22-34000524-T-C.
Other names: c.512A>G, p.His171Arg (NM_001362949.2, NM_001362951.2, NM_001362953.2 and 7 more transcripts); short protein forms H171R.
Identifiers: ClinVar variation 1525680 (VCV001525680.6), dbSNP rs2148979441, ClinGen allele CA411546848.